The following is an entry in ClinVar:

NM_001374736.1(DST):c.20213A>C (p.Asn6738Thr)

Gene: DST (dystonin; minus strand). Cytogenetic location: 6p12.1.
Variant type: single nucleotide variant.
Coding change: c.20213A>C on transcript NM_001374736.1 (MANE Select); coding-DNA position 20213, A replaced by C.
Protein change: p.Asn6738Thr; replaces asparagine 6738 with threonine.
Molecular consequence: missense variant.
Genome position (GRCh38, 1-based): chr6:56,497,389, T>G on the plus strand (A>C on the coding strand, the complement: DST is on the minus strand). VCF-style: chr6-56497389-T-G. GRCh37 (hg19) VCF-style: chr6-56362187-T-G.
Other names: c.13856A>C (NM_001144769.2); c.13856A>C, p.Asn4619Thr (NM_001144769.5); c.13442A>C, p.Asn4481Thr (NM_001144770.2); c.20213A>C, p.Asn6738Thr (NM_001374722.1); c.19253A>C, p.Asn6418Thr (NM_001374729.1); c.12995A>C, p.Asn4332Thr (NM_001374730.1); c.20240A>C, p.Asn6747Thr (NM_001374734.1); c.13322A>C, p.Asn4441Thr (NM_001386100.1, NM_183380.4); and 1 more; short protein forms N6738T, N6747T, N4619T, N6418T, N4115T, N4441T, N4332T, N4481T.
Identifiers: ClinVar variation 1041993 (VCV001041993.8), dbSNP rs368434678, ClinGen allele CA3866817.
Genomic context (GRCh38, chr6:56,497,389, plus strand): 5'-TGGTCAGTTTGTTATTCTGAGGCTAAAGCTGTAGGAAATACTTTGCTTACCATATGGACA[T>G]TAAGCTGCTCCTTGGCTGTTTCCGGTAAACCTCCCAGCGGTTTAGATGCCAACAGATGAC-3'
Protein context (NP_001361665.1, residues 6728-6748): GLPETAKEQL[Asn6738Thr]VHMEVCAAFE

ClinVar aggregate classification (germline): Uncertain significance. Review status: criteria provided, multiple submitters, no conflicts (2 of 4 stars). 2 submissions from 2 submitters: Uncertain significance (2). Last evaluated 2026-07-16.

Conditions:
Hereditary sensory and autonomic neuropathy type 6. Also called: Neuropathy, hereditary sensory and autonomic, type VI; HSAN VI. Identifiers: Orphanet 314381, MedGen C3539003, MONDO:0013839, OMIM 614653.
Epidermolysis bullosa simplex 3, localized or generalized intermediate, with BP230 deficiency (EBS3). Also called: Epidermolysis bullosa simplex, autosomal recessive 2; Epidermolysis bullosa simplex due to BP230 deficiency. Identifiers: Orphanet 412181, MedGen C3809470, MONDO:0014180, OMIM 615425.
DST-related disorder. Also called: DST-related condition; DST-related disorders.

Allele frequency attached by ClinVar (database versions not stated): gnomAD exomes below 0.00001 and 0.00002; ExAC 0.00003; gnomAD 0.00003 and 0.00004; TOPMed 0.00003; ESP Exome Variant Server 0.00008.
gnomAD v4.1: 8 of 1,612,954 alleles (0.0005%); highest among the groups gnomAD compares: African/African-American, 0.011%; no homozygotes.

Submissions (2):

PreventionGenetics, part of Exact Sciences
Classification: Uncertain significance for DST-related condition. Last evaluated: 2026-07-16. Review status: criteria provided, single submitter. Criteria: ACMG Guidelines, 2015. Collection method: clinical testing. Allele origin: germline.
Comment: The DST c.13856A>C variant is predicted to result in the amino acid substitution p.Asn4619Thr. To our knowledge, this variant has not been reported in the literature. This variant is reported in 0.025% of alleles in individuals of African descent in gnomAD. At this time, the clinical significance of this variant is uncertain due to the absence of conclusive functional and genetic evidence.

Labcorp Genetics (formerly Invitae), Labcorp
Classification: Uncertain significance for Epidermolysis bullosa simplex 3, localized or generalized intermediate, with BP230 deficiency; Hereditary sensory and autonomic neuropathy type 6. Last evaluated: 2020-10-29. Review status: criteria provided, single submitter. Criteria: Invitae Variant Classification Sherloc (09022015). Collection method: clinical testing. Allele origin: germline.
Comment: Experimental studies and prediction algorithms are not available or were not evaluated, and the functional significance of this variant is currently unknown. This variant has not been reported in the literature in individuals with DST-related conditions. This variant is present in population databases (rs368434678, ExAC 0.04%). This sequence change replaces asparagine with threonine at codon 4115 of the DST protein (p.Asn4115Thr). The DST gene has multiple clinically relevant transcripts. This variant occurs in alternate transcript NM_015548.4, and corresponds to NM_001723.5:c.*118128A>C in the primary transcript. In summary, the available evidence is currently insufficient to determine the role of this variant in disease. Therefore, it has been classified as a Variant of Uncertain Significance.